The following is an entry in ClinVar:

NM_001277115.2(DNAH11):c.4945-5T>G

Gene: DNAH11 (dynein axonemal heavy chain 11; plus strand). Cytogenetic location: 7p15.3.
Variant type: single nucleotide variant.
Coding change: c.4945-5T>G on transcript NM_001277115.2 (MANE Select); 5 bases into the intron before coding-DNA position 4945, T replaced by G.
Molecular consequence: intron variant.
Genome position (GRCh38, 1-based): chr7:21,655,827, T>G. VCF-style: chr7-21655827-T-G. GRCh37 (hg19) VCF-style: chr7-21695445-T-G.
Identifiers: ClinVar variation 257902 (VCV000257902.13), dbSNP rs886038468, ClinGen allele CA10586974.

ClinVar aggregate classification (germline): Conflicting classifications of pathogenicity. Review status: criteria provided, conflicting classifications (1 of 4 stars). 4 submissions from 4 submitters: Uncertain significance (3); Likely benign (1). Last evaluated 2023-09-04.

Conditions:
Primary ciliary dyskinesia. Also called: Ciliary dyskinesia. Identifiers: Orphanet 244, MedGen C0008780, MONDO:0016575, HP:0012265.

Submissions (4):

GeneDx
Classification: Uncertain significance. Last evaluated: 2023-09-04. Review status: criteria provided, single submitter. Criteria: GeneDx Variant Classification Process June 2021. Collection method: clinical testing. Allele origin: germline. Affected: yes.
Comment: Not observed at significant frequency in large population cohorts (gnomAD); In silico analysis supports a deleterious effect on splicing; Has not been previously published as pathogenic or benign to our knowledge

Labcorp Genetics (formerly Invitae), Labcorp
Classification: Uncertain significance for Primary ciliary dyskinesia. Last evaluated: 2021-05-10. Review status: criteria provided, single submitter. Criteria: Invitae Variant Classification Sherloc (09022015). Collection method: clinical testing. Allele origin: germline.
Comment: This sequence change falls in intron 28 of the DNAH11 gene. It does not directly change the encoded amino acid sequence of the DNAH11 protein. This variant is not present in population databases (ExAC no frequency). This variant has not been reported in the literature in individuals with DNAH11-related conditions. ClinVar contains an entry for this variant (Variation ID: 257902). Algorithms developed to predict the effect of sequence changes on RNA splicing suggest that this variant may disrupt the consensus splice site, but this prediction has not been confirmed by published transcriptional studies. In summary, the available evidence is currently insufficient to determine the role of this variant in disease. Therefore, it has been classified as a Variant of Uncertain Significance.

Ambry Genetics
Classification: Uncertain significance for Primary ciliary dyskinesia. Last evaluated: 2017-03-30. Review status: criteria provided, single submitter. Criteria: Ambry Variant Classification Scheme 2023. Collection method: clinical testing. Allele origin: germline.
Comment: The c.4945-5T>G intronic variant results from a T to G substitution 5 nucleotides upstream from coding exon 29 in the DNAH11 gene. This nucleotide position is poorly conserved in available vertebrate species. Using two different splice site prediction tools, this alteration is predicted by ESEfinder to weaken the efficiency of the native splice acceptor site, but is not predicted to have a deleterious effect on this splice acceptor site by BDGP; however, direct evidence is unavailable. Since supporting evidence is limited at this time, the clinical significance of this alteration remains unclear.

PreventionGenetics, part of Exact Sciences
Classification: Likely benign. Review status: criteria provided, single submitter. Criteria: ACMG Guidelines, 2015. Collection method: clinical testing. Allele origin: germline.